The following is an entry in ClinVar:

NM_014112.5(TRPS1):c.3620A>G (p.Glu1207Gly)

Gene: TRPS1 (transcriptional repressor GATA binding 1; minus strand). Cytogenetic location: 8q23.3.
Variant type: single nucleotide variant.
Coding change: c.3620A>G on transcript NM_014112.5 (MANE Select); coding-DNA position 3620, A replaced by G.
Protein change: p.Glu1207Gly; replaces glutamic acid 1207 with glycine.
Molecular consequence: missense variant.
Genome position (GRCh38, 1-based): chr8:115,414,288, T>C on the plus strand (A>G on the coding strand, the complement: TRPS1 is on the minus strand). VCF-style: chr8-115414288-T-C. GRCh37 (hg19) VCF-style: chr8-116426516-T-C.
Other names: c.3620A>G (NM_014112.2); c.3593A>G, p.Glu1198Gly (NM_001282902.3); c.3599A>G, p.Glu1200Gly (NM_001282903.3); c.3581A>G, p.Glu1194Gly (NM_001330599.2); short protein forms E1200G, E1194G, E1198G, E1207G.
Identifiers: ClinVar variation 1467851 (VCV001467851.7), dbSNP rs2129746312, ClinGen allele CA372062362.

ClinVar aggregate classification (germline): Uncertain significance. Review status: criteria provided, multiple submitters, no conflicts (2 of 4 stars). 2 submissions from 2 submitters: Uncertain significance (2). Last evaluated 2023-08-10.

Conditions:
Trichorhinophalangeal syndrome, type III (TRPS3). Also called: SUGIO-KAJII SYNDROME. Identifiers: Orphanet 77258, MedGen C1860823, OMIM 190351, MONDO:0008597.
Trichorhinophalangeal dysplasia type I (TRPS1). Also called: TRPS I; TRICHORHINOPHALANGEAL SYNDROME, TYPE I. Identifiers: Orphanet 77258, MedGen C0432233, MONDO:0008596, OMIM 190350.
Inborn genetic diseases. Identifiers: MedGen C0950123, MeSH D030342.

Allele frequency attached by ClinVar (database versions not stated): gnomAD exomes below 0.00001.
gnomAD v4.1: 1 of 1,613,980 alleles (0.000062%); highest among the groups gnomAD compares: Admixed American, 0.0017%; no homozygotes.

Submissions (2):

Labcorp Genetics (formerly Invitae), Labcorp
Classification: Uncertain significance for Trichorhinophalangeal syndrome, type III; Trichorhinophalangeal dysplasia type I. Last evaluated: 2023-08-10. Review status: criteria provided, single submitter. Criteria: Invitae Variant Classification Sherloc (09022015). Collection method: clinical testing. Allele origin: germline.
Comment: In summary, the available evidence is currently insufficient to determine the role of this variant in disease. Therefore, it has been classified as a Variant of Uncertain Significance. Advanced modeling of protein sequence and biophysical properties (such as structural, functional, and spatial information, amino acid conservation, physicochemical variation, residue mobility, and thermodynamic stability) performed at Invitae indicates that this missense variant is not expected to disrupt TRPS1 protein function. ClinVar contains an entry for this variant (Variation ID: 1467851). This variant has not been reported in the literature in individuals affected with TRPS1-related conditions. This variant is not present in population databases (gnomAD no frequency). This sequence change replaces glutamic acid, which is acidic and polar, with glycine, which is neutral and non-polar, at codon 1207 of the TRPS1 protein (p.Glu1207Gly).

Ambry Genetics
Classification: Uncertain significance for Inborn genetic diseases. Last evaluated: 2023-05-08. Review status: criteria provided, single submitter. Criteria: Ambry Variant Classification Scheme 2023. Collection method: clinical testing. Allele origin: germline.
Comment: The c.3620A>G (p.E1207G) alteration is located in exon 7 (coding exon 6) of the TRPS1 gene. This alteration results from an A to G substitution at nucleotide position 3620, causing the glutamic acid (E) at amino acid position 1207 to be replaced by a glycine (G). This variant was not reported in population-based cohorts in the Genome Aggregation Database (gnomAD). This amino acid position is not well conserved in available vertebrate species. The in silico prediction for this alteration is inconclusive. Based on insufficient or conflicting evidence, the clinical significance of this alteration remains unclear.